The following is an entry in ClinVar:

ClinVar aggregate classification (germline): Uncertain significance (1 of 4 stars; one submission).

Allele frequency attached by ClinVar (database versions not stated): gnomAD exomes below 0.00001.

Submission:

Labcorp Genetics (formerly Invitae), Labcorp
Classification: Uncertain significance. Last evaluated: 2023-07-06. Review status: criteria provided, single submitter. Criteria: Invitae Variant Classification Sherloc (09022015). Collection method: clinical testing. Allele origin: germline.
Comment: In summary, the available evidence is currently insufficient to determine the role of this variant in disease. Therefore, it has been classified as a Variant of Uncertain Significance. Algorithms developed to predict the effect of missense changes on protein structure and function output the following: SIFT: "Not Available"; PolyPhen-2: "Benign"; Align-GVGD: "Not Available". The threonine amino acid residue is found in multiple mammalian species, which suggests that this missense change does not adversely affect protein function. This sequence change replaces alanine, which is neutral and non-polar, with threonine, which is neutral and polar, at codon 254 of the ICOSLG protein (p.Ala254Thr). This variant is present in population databases (no rsID available, gnomAD 0.0009%). This variant has not been reported in the literature in individuals affected with ICOSLG-related conditions. ClinVar contains an entry for this variant (Variation ID: 1512164).

NM_015259.6(ICOSLG):c.760G>A (p.Ala254Thr)

Gene: ICOSLG (inducible T cell costimulator ligand; minus strand). Cytogenetic location: 21q22.3.
Variant type: single nucleotide variant.
Coding change: c.760G>A on transcript NM_015259.6 (MANE Select); coding-DNA position 760, G replaced by A.
Protein change: p.Ala254Thr; replaces alanine 254 with threonine.
Molecular consequence: missense variant.
Genome position (GRCh38, 1-based): chr21:44,231,382, C>T on the plus strand (G>A on the coding strand, the complement: ICOSLG is on the minus strand). VCF-style: chr21-44231382-C-T. GRCh37 (hg19) VCF-style: chr21-45651265-C-T.
Other names: c.760G>A, p.Ala254Thr (NM_001283050.2); c.409G>A, p.Ala137Thr (NM_001283051.2); c.505G>A, p.Ala169Thr (NM_001283052.2); c.679G>A, p.Ala227Thr (NM_001365759.2); short protein forms A169T, A137T, A227T, A254T.
Identifiers: ClinVar variation 1512164 (VCV001512164.8), dbSNP rs1195890520, ClinGen allele CA410613477.